The following is an entry in ClinVar:

ClinVar aggregate classification (germline): Uncertain significance (1 of 4 stars; one submission).

Conditions:
Joubert syndrome 18 (JBTS18). Identifiers: Orphanet 2754, MedGen C3553758, MONDO:0013896, OMIM 614815.
Orofacial-digital syndrome IV (OFD4). Also called: Orofaciodigital syndrome IV; BARAITSER-BURN SYNDROME; MOHR-MAJEWSKI SYNDROME; OFD SYNDROME WITH TIBIAL DEFECTS; OFD SYNDROME, BARAITSER-BURN TYPE; OFDS IV. Identifiers: Orphanet 2753, MedGen C0406727, MONDO:0009794, OMIM 258860.

Allele frequency attached by ClinVar (database versions not stated): gnomAD exomes below 0.00001 and 0.00001; TOPMed 0.00002.
gnomAD v4.1: 9 of 1,614,152 alleles (0.00056%); highest among the groups gnomAD compares: Non-Finnish European, 0.00076%; no homozygotes.

Submission:

Labcorp Genetics (formerly Invitae), Labcorp
Classification: Uncertain significance for Joubert syndrome 18; Orofacial-digital syndrome IV. Last evaluated: 2021-06-02. Review status: criteria provided, single submitter. Criteria: Invitae Variant Classification Sherloc (09022015). Collection method: clinical testing. Allele origin: germline.
Comment: This variant is not present in population databases (ExAC no frequency). This variant has not been reported in the literature in individuals with TCTN3-related conditions. Algorithms developed to predict the effect of missense changes on protein structure and function are either unavailable or do not agree on the potential impact of this missense change (SIFT: "Deleterious"; PolyPhen-2: "Possibly Damaging"; Align-GVGD: "Class C0"). In summary, the available evidence is currently insufficient to determine the role of this variant in disease. Therefore, it has been classified as a Variant of Uncertain Significance. This sequence change replaces leucine with arginine at codon 599 of the TCTN3 protein (p.Leu599Arg). The leucine residue is moderately conserved and there is a moderate physicochemical difference between leucine and arginine.

NM_015631.6(TCTN3):c.1796T>G (p.Leu599Arg)

Gene: TCTN3 (tectonic family member 3; minus strand). Cytogenetic location: 10q24.1.
Variant type: single nucleotide variant.
Coding change: c.1796T>G on transcript NM_015631.6 (MANE Select); coding-DNA position 1796, T replaced by G.
Protein change: p.Leu599Arg; replaces leucine 599 with arginine.
Molecular consequence: missense variant.
Genome position (GRCh38, 1-based): chr10:95,664,095, A>C on the plus strand (T>G on the coding strand, the complement: TCTN3 is on the minus strand). VCF-style: chr10-95664095-A-C. GRCh37 (hg19) VCF-style: chr10-97423852-A-C.
Other names: c.1352T>G, p.Leu451Arg (NM_001143973.2); short protein forms L599R, L451R.
Identifiers: ClinVar variation 1491059 (VCV001491059.8), dbSNP rs1291662541, ClinGen allele CA377698691.
Genomic context (GRCh38, chr10:95,664,095, plus strand): 5'-GGGAAAACTGAAATCTGATTATTTTCTTTTCTTCACATAGTCTCTAGGTTGAGAACTCCA[A>C]GTAGTAAGAGGCACAGGATAAGGATGGGAGAGACTGAGCATTTTTGAGAGAATACTCCTC-3'
Protein context (NP_056446.4, residues 589-607): SPILILCLLL[Leu599Arg]GVLNLETM